The following is an entry in ClinVar:

NM_000183.3(HADHB):c.1389+276C>T

Gene: HADHB (hydroxyacyl-CoA dehydrogenase trifunctional multienzyme complex subunit beta; plus strand). Cytogenetic location: 2p23.3.
Variant type: single nucleotide variant.
Coding change: c.1389+276C>T on transcript NM_000183.3 (MANE Select); 276 bases into the intron after coding-DNA position 1389, C replaced by T.
Molecular consequence: intron variant.
Genome position (GRCh38, 1-based): chr2:26,285,847, C>T. VCF-style: chr2-26285847-C-T. GRCh37 (hg19) VCF-style: chr2-26508715-C-T.
Other names: c.1323+276C>T (NM_001281513.2); c.1344+276C>T (NM_001281512.2).
Identifiers: ClinVar variation 668559 (VCV000668559.1), dbSNP rs115148044, ClinGen allele CA44343444.

ClinVar aggregate classification (germline): Benign (1 of 4 stars; one submission).

Allele frequency attached by ClinVar (database versions not stated): gnomAD 0.01591 and 0.01672; TOPMed 0.01827; 1000 Genomes Project 0.01857; 1000 Genomes Project 30x 0.01921.
gnomAD v4.1: 2,322 of 147,350 alleles (1.6%); highest among the groups gnomAD compares: African/African-American, 5.3%; 61 homozygotes.

Submission:

GeneDx
Classification: Benign. Last evaluated: 2018-06-16. Review status: criteria provided, single submitter. Criteria: GeneDx Variant Classification (06012015). Collection method: clinical testing. Allele origin: germline. Affected: yes.
Comment: This variant is considered likely benign or benign based on one or more of the following criteria: it is a conservative change, it occurs at a poorly conserved position in the protein, it is predicted to be benign by multiple in silico algorithms, and/or has population frequency not consistent with disease.